The following is an entry in ClinVar:

NM_000059.4(BRCA2):c.6049A>T (p.Lys2017Ter)

Gene: BRCA2 (BRCA2 DNA repair associated; plus strand). Cytogenetic location: 13q13.1.
Variant type: single nucleotide variant.
Coding change: c.6049A>T on transcript NM_000059.4 (MANE Select); coding-DNA position 6049, A replaced by T.
Protein change: p.Lys2017Ter; replaces lysine 2017 with a stop codon.
Molecular consequence: nonsense.
Genome position (GRCh38, 1-based): chr13:32,340,404, A>T. VCF-style: chr13-32340404-A-T. GRCh37 (hg19) VCF-style: chr13-32914541-A-T.
Other names: 6277A>T; short protein forms K2017*.
Identifiers: ClinVar variation 266917 (VCV000266917.9), dbSNP rs886040630, ClinGen allele CA10589348.
Genomic context (GRCh38, chr13:32,340,404, plus strand): 5'-AGACAAGTGTTTTCTGAAATAGAAGATAGTACCAAGCAAGTCTTTTCCAAAGTATTGTTT[A>T]AAAGTAACGAACATTCAGACCAGCTCACAAGAGAAGAAAATACTGCTATACGTACTCCAG-3'

ClinVar aggregate classification (germline): Pathogenic. Review status: reviewed by expert panel (3 of 4 stars). 4 submissions from 4 submitters: Pathogenic (1). 3 of the submissions do not count toward it. Last evaluated 2016-10-18.

Conditions:
Hereditary cancer-predisposing syndrome. Also called: Hereditary neoplastic syndrome; Neoplastic Syndromes, Hereditary; Tumor predisposition; Hereditary Cancer Syndrome. Identifiers: Orphanet 140162, MedGen C0027672, MeSH D009386, MONDO:0015356.
Breast-ovarian cancer, familial, susceptibility to, 2 (BROVCA2). Also called: BRCA2 Hereditary Breast and Ovarian Cancer. Identifiers: Orphanet 145, MedGen C2675520, MONDO:0012933, OMIM 612555. Disease mechanism: loss of function.

Submissions (4):

Evidence-based Network for the Interpretation of Germline Mutant Alleles (ENIGMA)
Classification: Pathogenic for Breast-ovarian cancer, familial, susceptibility to, 2. Last evaluated: 2016-10-18. Review status: reviewed by expert panel. Criteria: ENIGMA BRCA1/2 Classification Criteria (2015). Collection method: curation. Allele origin: germline.
Comment: Variant allele predicted to encode a truncated non-functional protein.

Color Diagnostics, LLC DBA Color Health
Classification: Pathogenic for Hereditary cancer-predisposing syndrome. Last evaluated: 2022-10-31. Review status: criteria provided, single submitter. Criteria: ACMG Guidelines, 2015. Collection method: clinical testing. Allele origin: germline. Not counted in ClinVar's aggregate classification.
Comment: This variant changes 1 nucleotide in exon 11 of the BRCA2 gene, creating a premature translation stop signal. This variant is expected to result in an absent or non-functional protein product. This variant has been identified in 1 family among the CIMBA participants (PMID: 29446198, 326144). This variant has not been identified in the general population by the Genome Aggregation Database (gnomAD). Loss of BRCA2 function is a known mechanism of disease. Based on the available evidence, this variant is classified as Pathogenic.

Ambry Genetics
Classification: Pathogenic for Hereditary cancer-predisposing syndrome. Last evaluated: 2022-06-28. Review status: criteria provided, single submitter. Criteria: Ambry Variant Classification Scheme 2023. Collection method: clinical testing. Allele origin: germline. Not counted in ClinVar's aggregate classification.
Comment: The p.K2017* pathogenic mutation (also known as c.6049A>T), located in coding exon 10 of the BRCA2 gene, results from an A to T substitution at nucleotide position 6049. This changes the amino acid from a lysine to a stop codon within coding exon 10. This variant is considered to be rare based on population cohorts in the Genome Aggregation Database (gnomAD). This alteration is expected to result in loss of function by premature protein truncation or nonsense-mediated mRNA decay. As such, this alteration is interpreted as a disease-causing mutation.

Consortium of Investigators of Modifiers of BRCA1/2 (CIMBA), c/o University of Cambridge
Classification: Pathogenic for Breast-ovarian cancer, familial, susceptibility to, 2. Last evaluated: 2015-10-02. Review status: criteria provided, single submitter. Criteria: CIMBA Mutation Classification guidelines May 2016. Collection method: clinical testing. Allele origin: germline. Not counted in ClinVar's aggregate classification.

Literature cited by the submitters: PubMed 29446198 (cited by Color Diagnostics, LLC DBA Color Health).